The following is an entry in ClinVar:

NM_002480.3(PPP1R12A):c.3007A>T (p.Met1003Leu)

Genes: PPP1R12A (protein phosphatase 1 regulatory subunit 12A; minus strand), PPP1R12A-AS2 (PPP1R12A antisense RNA 2; plus strand). Cytogenetic location: 12q21.2.
Variant type: single nucleotide variant.
Coding change: c.3007A>T on transcript NM_002480.3 (MANE Select); coding-DNA position 3007, A replaced by T.
Protein change: p.Met1003Leu; replaces methionine 1003 with leucine.
Molecular consequence: missense variant.
Genome position (GRCh38, 1-based): chr12:79,776,015, T>A on the plus strand (A>T on the coding strand, the complement: PPP1R12A is on the minus strand). VCF-style: chr12-79776015-T-A. GRCh37 (hg19) VCF-style: chr12-80169795-T-A.
Other names: c.2902A>T, p.Met968Leu (NM_001244990.2); c.2839A>T, p.Met947Leu (NM_001244992.1); c.3007A>T, p.Met1003Leu (NM_001143885.2); c.2746A>T, p.Met916Leu (NM_001143886.2); short protein forms M1003L, M916L, M947L, M968L.
Identifiers: ClinVar variation 4851382 (VCV004851382.1).

ClinVar aggregate classification (germline): Likely benign (1 of 4 stars; one submission).

Conditions:
Genitourinary and/or brain malformation syndrome (GUBS). Also called: PPP1R12A-Related Urogenital and/or Brain Malformation Syndrome. Identifiers: MedGen C5394158, MONDO:0032934, OMIM 618820.

Submission:

Centre for Medical Genetics,  Mumbai
Classification: Likely benign for Genitourinary and/or brain malformation syndrome. Last evaluated: 2026-04-14. Review status: criteria provided, single submitter. Criteria: ACMG Guidelines, 2015. Collection method: provider interpretation. Allele origin: germline. Inheritance: Autosomal dominant inheritance. Affected: no. Observed: 1 variant allele, 1 heterozygote.
Comment: The variant satisfies PM2 criteria - extremely low frequency in gnomAD population databases. The variant satisfies BP4 criteria - for a missense or a splice region variant, computational prediction tools unanimously support a benign effect on the gene. However, the variant satisfies BS2 criteria - present in heterozygous state in an individual that clinically does not have genitourinary and/or/brain malformation syndrome.

Literature cited by the submitters: PubMed 31883643.